The following is an entry in ClinVar:

NM_033453.4(ITPA):c.124+1G>A

Gene: ITPA (inosine triphosphatase; plus strand). Cytogenetic location: 20p13.
Variant type: single nucleotide variant.
Coding change: c.124+1G>A on transcript NM_033453.4 (MANE Select); the canonical splice donor site of the intron after coding-DNA position 124, G replaced by A.
Molecular consequence: splice donor variant. On other transcripts: intron variant (4).
Genome position (GRCh38, 1-based): chr20:3,213,227, G>A. VCF-style: chr20-3213227-G-A. GRCh37 (hg19) VCF-style: chr20-3193873-G-A.
Other names: c.-214+1G>A (NM_001324237.2); c.-274-31G>A (NM_001324238.2, NM_001324236.2, NM_001351739.2); c.124+1G>A (NM_001324240.2); c.67-758G>A (NM_001267623.2); c.73+1G>A (NM_181493.4).
Identifiers: ClinVar variation 646228 (VCV000646228.15), dbSNP rs376142053, ClinGen allele CA9741151.
Genomic context (GRCh38, chr20:3,213,227, plus strand): 5'-AGGTCGTTCAGATTCTAGGAGATAAGTTTCCATGCACTTTGGTGGCACAGAAAATTGACC[G>A]TATGTCTCTGTTTTGTTTTATTTTTAAAAGATGGTTGGATTTCTCTGTCTTCCTGTGACC-3'

ClinVar aggregate classification (germline): Pathogenic/Likely pathogenic. Review status: criteria provided, multiple submitters, no conflicts (2 of 4 stars). 4 submissions from 4 submitters: Pathogenic (3); Likely pathogenic (1). Last evaluated 2026-05-27.

Conditions:
Developmental and epileptic encephalopathy, 35 (DEE35). Also called: Epileptic encephalopathy, early infantile, 35. Identifiers: Orphanet 457375, MedGen C4225256, MONDO:0014719, OMIM 616647.
Inosine triphosphatase deficiency. Also called: INOSINE TRIPHOSPHATE PYROPHOSPHOHYDROLASE DEFICIENCY. Identifiers: MedGen C0342800, MONDO:0013461, OMIM 613850.
ITPA-related disorder. Also called: ITPA-related condition.

Allele frequency attached by ClinVar (database versions not stated): TOPMed 0.00001; ESP Exome Variant Server 0.00008.
gnomAD v4.1: 12 of 1,614,040 alleles (0.00074%); highest among the groups gnomAD compares: Non-Finnish European, 0.001%; no homozygotes.

Submissions (4):

PreventionGenetics, part of Exact Sciences
Classification: Pathogenic for ITPA-related condition. Last evaluated: 2026-05-27. Review status: criteria provided, single submitter. Criteria: ACMG Guidelines, 2015. Collection method: clinical testing. Allele origin: germline.
Comment: The ITPA c.124+1G>A variant is predicted to disrupt the GT donor site and interfere with normal splicing. ​This variant has been reported in the homozygous state in multiple individuals with developmental and epileptic encephalopathy type 35 (DEE35) (Muthusamy et al. 2021. PubMed ID: 33593863; Scala et al. 2022. PubMed ID: 34989426; Çavusoglu et al. 2022. PubMed ID: 35342253; Tobati et al. 2026. PubMed ID: 41633218). An in vitro experimental study using skin fibroblasts suggests this variant results in severely reduced inosine triphosphate pyrophosphohydrolase (ITPase) enzyme activity (Muthusamy et al. 2021. PubMed ID: 33593863). This variant is reported in 0.0018% of alleles in individuals of European (Non-Finnish) descent in gnomAD. Variants that disrupt the consensus splice donor site in ITPA are expected to be pathogenic. This variant is interpreted as pathogenic.

Labcorp Genetics (formerly Invitae), Labcorp
Classification: Pathogenic for Inosine triphosphatase deficiency. Last evaluated: 2025-12-21. Review status: criteria provided, single submitter. Criteria: Invitae Variant Classification Sherloc (09022015). Collection method: clinical testing. Allele origin: germline.
Comment: This sequence change affects a donor splice site in intron 2 of the ITPA gene. It is expected to disrupt RNA splicing. Variants that disrupt the donor or acceptor splice site typically lead to a loss of protein function (PMID: 16199547), and loss-of-function variants in ITPA are known to be pathogenic (PMID: 26224535). This variant is present in population databases (rs376142053, gnomAD 0.003%). Disruption of this splice site has been observed in individuals with inosine triphosphate pyrophosphohydrolase (ITPase) deficiency (PMID: 33593863, 34989426). ClinVar contains an entry for this variant (Variation ID: 646228). Algorithms developed to predict the effect of sequence changes on RNA splicing suggest that this variant may disrupt the consensus splice site. For these reasons, this variant has been classified as Pathogenic.

Revvity Omics, Revvity
Classification: Likely pathogenic. Last evaluated: 2022-11-08. Review status: criteria provided, single submitter. Criteria: ACMG Guidelines, 2015. Collection method: clinical testing. Allele origin: germline.

Juno Genomics, Hangzhou Juno Genomics, Inc
Classification: Pathogenic for Inosine triphosphatase deficiency; Developmental and epileptic encephalopathy, 35. Review status: criteria provided, single submitter. Criteria: ACMG Guidelines, 2015. Collection method: clinical testing. Allele origin: germline. Affected: yes.
Comment: Absent from controls (or at extremely low frequency if recessive) in Genome Aggregation Database, Exome Sequencing Project, 1000 Genomes Project, or Exome Aggregation Consortium.;Null variant in a gene where loss of function (LOF) is a known mechanism of disease.;For recessive disorders, detected in trans with a pathogenic variant.

Literature cited by the submitters: PubMed 16199547 (cited by Labcorp Genetics (formerly Invitae), Labcorp); PubMed 26224535 (cited by Labcorp Genetics (formerly Invitae), Labcorp); PubMed 33593863 (cited by Labcorp Genetics (formerly Invitae), Labcorp); PubMed 34989426 (cited by Labcorp Genetics (formerly Invitae), Labcorp).